The following is an entry in ClinVar:

ClinVar aggregate classification (germline): Uncertain significance. Review status: criteria provided, multiple submitters, no conflicts (2 of 4 stars). 2 submissions from 2 submitters: Uncertain significance (2). Last evaluated 2024-11-10.

Conditions:
Fanconi anemia (FA). Also called: Fanconi's anemia. Identifiers: Orphanet 84, MedGen C0015625, MeSH D005199, MONDO:0019391.
Inborn genetic diseases. Identifiers: MedGen C0950123, MeSH D030342.

Submissions (2):

Ambry Genetics
Classification: Uncertain significance for Inborn genetic diseases. Last evaluated: 2024-11-10. Review status: criteria provided, single submitter. Criteria: Ambry Variant Classification Scheme 2023. Collection method: clinical testing. Allele origin: germline.

Labcorp Genetics (formerly Invitae), Labcorp
Classification: Uncertain significance for Fanconi anemia. Last evaluated: 2024-01-19. Review status: criteria provided, single submitter. Criteria: Invitae Variant Classification Sherloc (09022015). Collection method: clinical testing. Allele origin: germline.
Comment: This sequence change replaces aspartic acid, which is acidic and polar, with alanine, which is neutral and non-polar, at codon 520 of the FANCA protein (p.Asp520Ala). This variant is not present in population databases (gnomAD no frequency). This variant has not been reported in the literature in individuals affected with FANCA-related conditions. Advanced modeling of protein sequence and biophysical properties (such as structural, functional, and spatial information, amino acid conservation, physicochemical variation, residue mobility, and thermodynamic stability) performed at Invitae indicates that this missense variant is expected to disrupt FANCA protein function with a positive predictive value of 80%. In summary, the available evidence is currently insufficient to determine the role of this variant in disease. Therefore, it has been classified as a Variant of Uncertain Significance.

NM_000135.4(FANCA):c.1559A>C (p.Asp520Ala)

Gene: FANCA (FA complementation group A; minus strand). Cytogenetic location: 16q24.3.
Variant type: single nucleotide variant.
Coding change: c.1559A>C on transcript NM_000135.4 (MANE Select); coding-DNA position 1559, A replaced by C.
Protein change: p.Asp520Ala; replaces aspartic acid 520 with alanine.
Molecular consequence: missense variant.
Genome position (GRCh38, 1-based): chr16:89,783,014, T>G on the plus strand (A>C on the coding strand, the complement: FANCA is on the minus strand). VCF-style: chr16-89783014-T-G. GRCh37 (hg19) VCF-style: chr16-89849422-T-G.
Other names: c.1559A>C, p.Asp520Ala (NM_001286167.3); short protein forms D520A.
Identifiers: ClinVar variation 2899565 (VCV002899565.4), dbSNP rs2544243403, ClinGen allele CA397458065.